The following is an entry in ClinVar:

NM_020719.3(PRR12):c.5724T>C (p.Asp1908=)

Gene: PRR12 (proline rich 12; plus strand). Cytogenetic location: 19q13.33.
Variant type: single nucleotide variant.
Coding change: c.5724T>C on transcript NM_020719.3 (MANE Select); coding-DNA position 5724, T replaced by C.
Protein change: p.Asp1908=; no amino-acid change (aspartic acid 1908 retained).
Molecular consequence: synonymous variant.
Genome position (GRCh38, 1-based): chr19:49,624,846, T>C. VCF-style: chr19-49624846-T-C. GRCh37 (hg19) VCF-style: chr19-50128103-T-C.
Identifiers: ClinVar variation 3025755 (VCV003025755.22), dbSNP rs372543985, ClinGen allele CA9578790.

ClinVar aggregate classification (germline): Likely benign (1 of 4 stars; one submission).

Allele frequency attached by ClinVar (database versions not stated): gnomAD 0.00001; TOPMed 0.00002; ExAC 0.00003; ESP Exome Variant Server 0.00008; gnomAD exomes 0.00009.
gnomAD v4.1: 122 of 1,610,786 alleles (0.0076%); highest among the groups gnomAD compares: Non-Finnish European, 0.01%; no homozygotes.

Submission:

CeGaT Center for Human Genetics Tuebingen
Classification: Likely benign. Last evaluated: 2024-01-01. Review status: criteria provided, single submitter. Criteria: CeGaT Center For Human Genetics Tuebingen Variant Classification Criteria Version 2. Collection method: clinical testing. Allele origin: germline. Affected: yes. Observed: 1 variant allele.
Comment: PRR12: BP4, BP7